The following is an entry in ClinVar:

ClinVar aggregate classification (germline): Uncertain significance (1 of 4 stars; one submission).

gnomAD v4.1: 2 of 1,550,444 alleles (0.00013%); highest among the groups gnomAD compares: Middle Eastern, 0.033%; no homozygotes.

Submission:

GeneDx
Classification: Uncertain significance. Last evaluated: 2025-05-16. Review status: criteria provided, single submitter. Criteria: GeneDx Variant Classification Process June 2021. Collection method: clinical testing. Allele origin: germline. Affected: yes.
Comment: Not observed at significant frequency in large population cohorts (gnomAD); In silico analysis suggests that this missense variant does not alter protein structure/function; Has not been previously published as pathogenic or benign to our knowledge

NM_001371986.1(UNC80):c.2654C>G (p.Thr885Ser)

Gene: UNC80 (unc-80 subunit of NALCN channel complex; plus strand). Cytogenetic location: 2q34.
Variant type: single nucleotide variant.
Coding change: c.2654C>G on transcript NM_001371986.1 (MANE Select); coding-DNA position 2654, C replaced by G.
Protein change: p.Thr885Ser; replaces threonine 885 with serine.
Molecular consequence: missense variant.
Genome position (GRCh38, 1-based): chr2:209,831,470, C>G. VCF-style: chr2-209831470-C-G. GRCh37 (hg19) VCF-style: chr2-210696194-C-G.
Other names: c.2654C>G, p.Thr885Ser (NM_032504.2); c.2639C>G, p.Thr880Ser (NM_182587.4); short protein forms T880S, T885S.
Identifiers: ClinVar variation 4529608 (VCV004529608.1).